The following is an entry in ClinVar:

ClinVar aggregate classification (germline): Likely benign. Review status: criteria provided, multiple submitters, no conflicts (2 of 4 stars). 5 submissions from 5 submitters: Likely benign (5). Last evaluated 2026-08-01.

Conditions:
Inborn genetic diseases. Identifiers: MedGen C0950123, MeSH D030342.

Allele frequency attached by ClinVar (database versions not stated): ExAC 0.00013; ESP Exome Variant Server 0.00015; 1000 Genomes Project 30x 0.00031; gnomAD 0.00032 and 0.00036; TOPMed 0.00037; 1000 Genomes Project 0.00040.

Submissions (5):

CeGaT Center for Human Genetics Tuebingen
Classification: Likely benign. Last evaluated: 2026-08-01. Review status: criteria provided, single submitter. Criteria: CeGaT Center For Human Genetics Tuebingen Variant Classification Criteria Version 2. Collection method: clinical testing. Allele origin: germline. Affected: yes. Observed: 2 variant alleles.
Comment: SRCAP: BS1

Women's Health and Genetics/Laboratory Corporation of America, LabCorp
Classification: Likely benign. Last evaluated: 2026-05-05. Review status: criteria provided, single submitter. Criteria: LabCorp Variant Classification Summary - May 2015. Collection method: clinical testing. Allele origin: germline.
Comment: Variant summary: SRCAP c.9487C>G (p.Leu3163Val) results in a conservative amino acid change in the encoded protein sequence. Algorithms developed to predict the effect of missense changes on protein structure and function all suggest that this variant is likely to be tolerated. The variant allele was found at a frequency of 0.00015 in 243290 control chromosomes, predominantly at a frequency of 0.0012 within the African or African-American subpopulation in the gnomAD database. The observed variant frequency within African or African-American control individuals in the gnomAD database exceeds the estimated maximal expected allele frequency for disease-causing variants in SRCAP. To our knowledge, no occurrence of c.9487C>G in individuals affected with SRCAP-related conditions and no experimental evidence demonstrating its impact on protein function have been reported. ClinVar contains an entry for this variant (Variation ID: 1544536). Based on the evidence outlined above, the variant was classified as likely benign.

Labcorp Genetics (formerly Invitae), Labcorp
Classification: Likely benign. Last evaluated: 2026-01-04. Review status: criteria provided, single submitter. Criteria: Invitae Variant Classification Sherloc (09022015). Collection method: clinical testing. Allele origin: germline.

Ambry Genetics
Classification: Likely benign for Inborn genetic diseases. Last evaluated: 2025-08-12. Review status: criteria provided, single submitter. Criteria: Ambry Variant Classification Scheme 2023. Collection method: clinical testing. Allele origin: germline.

Blueprint Genetics
Classification: Likely benign. Last evaluated: 2024-11-01. Review status: criteria provided, single submitter. Criteria: ACMG Guidelines, 2015. Collection method: clinical testing. Allele origin: germline.

NM_006662.3(SRCAP):c.9487C>G (p.Leu3163Val)

Gene: SRCAP (Snf2 related CREBBP activator protein; plus strand). Cytogenetic location: 16p11.2.
Variant type: single nucleotide variant.
Coding change: c.9487C>G on transcript NM_006662.3 (MANE Select); coding-DNA position 9487, C replaced by G.
Protein change: p.Leu3163Val; replaces leucine 3163 with valine.
Molecular consequence: missense variant.
Genome position (GRCh38, 1-based): chr16:30,739,527, C>G. VCF-style: chr16-30739527-C-G. GRCh37 (hg19) VCF-style: chr16-30750848-C-G.
Other names: short protein forms L3163V.
Identifiers: ClinVar variation 1544536 (VCV001544536.25), dbSNP rs201927170, ClinGen allele CA8012936.